The following is an entry in ClinVar:

ClinVar aggregate classification (germline): Uncertain significance (1 of 4 stars; one submission).

gnomAD v4.1: 17 of 1,613,400 alleles (0.0011%); highest among the groups gnomAD compares: South Asian, 0.0033%; no homozygotes.

Submission:

Labcorp Genetics (formerly Invitae), Labcorp
Classification: Uncertain significance. Last evaluated: 2025-08-09. Review status: criteria provided, single submitter. Criteria: Invitae Variant Classification Sherloc (09022015). Collection method: clinical testing. Allele origin: germline.
Comment: This sequence change replaces glycine, which is neutral and non-polar, with serine, which is neutral and polar, at codon 165 of the LONP1 protein (p.Gly165Ser). This variant is present in population databases (rs780360153, gnomAD 0.003%). This variant has not been reported in the literature in individuals affected with LONP1-related conditions. Invitae Evidence Modeling of protein sequence and biophysical properties (such as structural, functional, and spatial information, amino acid conservation, physicochemical variation, residue mobility, and thermodynamic stability) has been performed for this missense variant. However, the output from this modeling did not meet the statistical confidence thresholds required to predict the impact of this variant on LONP1 protein function. In summary, the available evidence is currently insufficient to determine the role of this variant in disease. Therefore, it has been classified as a Variant of Uncertain Significance.

NM_004793.4(LONP1):c.493G>A (p.Gly165Ser)

Gene: LONP1 (lon peptidase 1, mitochondrial; minus strand). Cytogenetic location: 19p13.3.
Variant type: single nucleotide variant.
Coding change: c.493G>A on transcript NM_004793.4 (MANE Select); coding-DNA position 493, G replaced by A.
Protein change: p.Gly165Ser; replaces glycine 165 with serine.
Molecular consequence: missense variant. On other transcripts: 5 prime UTR variant (1), non-coding transcript variant (1).
Genome position (GRCh38, 1-based): chr19:5,714,208, C>T on the plus strand (G>A on the coding strand, the complement: LONP1 is on the minus strand). VCF-style: chr19-5714208-C-T. GRCh37 (hg19) VCF-style: chr19-5714219-C-T.
Other names: c.301G>A, p.Gly101Ser (NM_001276479.2); c.-96G>A (NM_001276480.1); short protein forms G101S, G165S.
Identifiers: ClinVar variation 4704787 (VCV004704787.1).